The following is an entry in ClinVar:

NM_001267550.2(TTN):c.73845del (p.Glu24615fs)

Genes: TTN (titin; minus strand), TTN-AS1 (TTN antisense RNA 1; plus strand). Cytogenetic location: 2q31.2.
Variant type: Deletion.
Coding change: c.73845del on transcript NM_001267550.2 (MANE Select); coding-DNA position 73845, one base deleted (A; older notation c.73845delA).
Protein change: p.Glu24615fs; shifts the reading frame from glutamic acid 24615.
Molecular consequence: frameshift variant.
Genome position (GRCh38, 1-based): chr2:178,572,287, T deleted on the plus strand (A on the coding strand, the reverse complement: TTN is on the minus strand); the first of 2 consecutive T bases (chr2:178,572,287-178,572,288); deleting either gives the same sequence. VCF-style (leftmost placement, unchanged base first): chr2-178572286-GT-G. GRCh37 (hg19) VCF-style: chr2-179437013-GT-G.
Other names: c.66141delA (NM_133378.4); c.73845delA (NM_001267550.2); c.46650delA (NM_003319.4); c.68922del, p.Glu22974fs (NM_001256850.1); c.46650del, p.Glu15550fs (NM_003319.4); c.66141del, p.Glu22047fs (NM_133378.4); c.47025del, p.Glu15675fs (NM_133432.3); c.47226del, p.Glu15742fs (NM_133437.4); short protein forms E22974fs, E24615fs, E22047fs, E15550fs, E15742fs, E15675fs.
Identifiers: ClinVar variation 47324 (VCV000047324.18), dbSNP rs397517696, ClinGen allele CA261907.

ClinVar aggregate classification (germline): Pathogenic/Likely pathogenic. Review status: criteria provided, multiple submitters, no conflicts (2 of 4 stars). 4 submissions from 4 submitters: Pathogenic (2); Likely pathogenic (2). Last evaluated 2025-10-10.

Conditions:
Cardiovascular phenotype. Identifiers: MedGen CN230736.
Dilated cardiomyopathy 1G (CMD1G). Identifiers: Orphanet 154, MedGen C1858763, MONDO:0011400, OMIM 604145.
Autosomal recessive limb-girdle muscular dystrophy type 2J (LGMDR10). Also called: Limb-girdle muscular dystrophy, type 2J; MUSCULAR DYSTROPHY, LIMB-GIRDLE, AUTOSOMAL RECESSIVE 10. Identifiers: Orphanet 140922, MedGen C1837342, MONDO:0012127, OMIM 608807.
Primary dilated cardiomyopathy (DCM). Also called: Dilated Cardiomyopathy. Identifiers: Orphanet 217604, MedGen C0007193, MeSH D002311, MONDO:0005021, HP:0001644. Inheritance: Various modes of inheritance.
Primary familial dilated cardiomyopathy (FDC). Also called: Familial dilated cardiomyopathy; Hypokinetic dilated cardiomyopathy, familial. Identifiers: Orphanet 217607, MedGen C0340427, MONDO:0016333.

Submissions (4):

Labcorp Genetics (formerly Invitae), Labcorp
Classification: Likely pathogenic for Dilated cardiomyopathy 1G; Autosomal recessive limb-girdle muscular dystrophy type 2J. Last evaluated: 2025-10-10. Review status: criteria provided, single submitter. Criteria: Invitae Variant Classification Sherloc (09022015). Collection method: clinical testing. Allele origin: germline.
Comment: This sequence change creates a premature translational stop signal (p.Glu24615Aspfs*9) in the TTN gene. While this is not anticipated to result in nonsense mediated decay, it is expected to create a truncated TTN protein. This variant is not present in population databases (gnomAD no frequency). This premature translational stop signal has been observed in individual(s) with dilated cardiomyopathy (PMID: 24503780, 37652022; internal data). This variant is also known as p.Glu22047AspfsX9. ClinVar contains an entry for this variant (Variation ID: 47324). This variant is located in the A band of TTN (PMID: 25589632). Truncating variants in this region are significantly overrepresented in patients affected with dilated cardiomyopathy (PMID: 25589632). Truncating variants in this region have also been reported in individuals affected with autosomal recessive centronuclear myopathy (PMID: 23975875). In summary, the currently available evidence indicates that the variant is pathogenic, but additional data are needed to prove that conclusively. Therefore, this variant has been classified as Likely Pathogenic.

Women's Health and Genetics/Laboratory Corporation of America, LabCorp
Classification: Pathogenic for Primary familial dilated cardiomyopathy. Last evaluated: 2023-05-23. Review status: criteria provided, single submitter. Criteria: LabCorp Variant Classification Summary - May 2015. Collection method: clinical testing. Allele origin: germline.
Comment: Variant summary: TTN c.66141delA (p.Glu22047AspfsX9) results in a premature termination codon, predicted to cause absence of the protein due to nonsense mediated decay, which are commonly known mechanisms for disease. The variant was absent in 247880 control chromosomes. c.66141delA has been reported in the literature in at least one individual affected with Dilated Cardiomyopathy (Pugh_2014). To our knowledge, no experimental evidence demonstrating an impact on protein function has been reported. The following publication have been ascertained in the context of this evaluation (PMID: 24503780). Two clinical diagnostic laboratories have submitted clinical-significance assessments for this variant to ClinVar after 2014 without evidence for independent evaluation. Both laboratories classified the variant as pathogenic/likely pathogenic. Frameshift and other truncating variants in TTN are strongly associated with DCM if they are located in the exons encoding for the A-band (PMID: 22335739, PMID: 24503780). Based on the evidence outlined above, the variant was classified as pathogenic.

Ambry Genetics
Classification: Pathogenic for Cardiovascular phenotype. Last evaluated: 2022-09-13. Review status: criteria provided, single submitter. Criteria: Ambry Variant Classification Scheme 2023. Collection method: clinical testing. Allele origin: germline.
Comment: The c.46650delA pathogenic mutation, located in coding exon 153 of the TTN gene, results from a deletion of one nucleotide at nucleotide position 46650, causing a translational frameshift with a predicted alternate stop codon (p.E15550Dfs*9). This exon is located in the A-band region of the N2-B isoform of the titin protein and is constitutively expressed in TTN transcripts (percent spliced in or PSI 100%). This variant (also referred to as c.66141delA, p.Glu22047Aspfs*9) has been reported in an individual with dilated cardiomyopathy (Pugh TJ et al. Genet Med, 2014 Aug;16:601-8). This variant is considered to be rare based on population cohorts in the Genome Aggregation Database (gnomAD). This alteration is expected to result in loss of function by premature protein truncation or nonsense-mediated mRNA decay. While truncating variants in TTN are present in 1-3% of the general population, truncating variants in the A-band are the most common cause of dilated cardiomyopathy (DCM) (Herman DS et al. N. Engl. J. Med., 2012 Feb;366:619-28; Roberts AM et al. Sci Transl Med, 2015 Jan;7:270ra6). TTN truncating variants encoded in constitutive exons (PSI >90%) have been found to be significantly associated with DCM regardless of their position in titin (Schafer S et al. Nat. Genet., 2017 01;49:46-53). Based on the supporting evidence, this alteration is interpreted as a disease-causing mutation.

Laboratory for Molecular Medicine, Mass General Brigham Personalized Medicine
Classification: Likely pathogenic for Primary dilated cardiomyopathy. Last evaluated: 2013-01-18. Review status: criteria provided, single submitter. Criteria: LMM Criteria. Collection method: clinical testing. Allele origin: germline. Observed: 3 variant alleles.
Comment: This frameshift variant is predicted to alter the protein?s amino acid s equence beginning at position 22047 and lead to a premature termination codon 9 amino acids downstream. This alteration is then predicted to lead to a truncated or absent protein. Truncating variants in TTN are strongly associated with DCM (Herman 2012). In summary, this variant is likely to be pathogenic, though segre gation studies and functional analyses are required to establish this with certa inty.

Literature cited by the submitters: PubMed 24503780 (cited by 3 submitters); PubMed 37652022 (cited by Labcorp Genetics (formerly Invitae), Labcorp); PubMed 25589632 (cited by Labcorp Genetics (formerly Invitae), Labcorp); PubMed 23975875 (cited by Labcorp Genetics (formerly Invitae), Labcorp); PubMed 27532257 (cited by Ambry Genetics).